The following is an entry in ClinVar:

ClinVar aggregate classification (germline): Uncertain significance (1 of 4 stars; one submission).

Conditions:
Cardiovascular phenotype. Identifiers: MedGen CN230736.

Submission:

Ambry Genetics
Classification: Uncertain significance for Cardiovascular phenotype. Last evaluated: 2025-01-19. Review status: criteria provided, single submitter. Criteria: Ambry Variant Classification Scheme 2023. Collection method: clinical testing. Allele origin: germline.
Comment: The p.S874Y variant (also known as c.2621C>A), located in coding exon 1 of the ZNF469 gene, results from a C to A substitution at nucleotide position 2621. The serine at codon 874 is replaced by tyrosine, an amino acid with dissimilar properties. This amino acid position is conserved. In addition, this alteration is predicted to be tolerated by in silico analysis. Based on the available evidence, the clinical significance of this variant remains unclear.

NM_001367624.2(ZNF469):c.2621C>A (p.Ser874Tyr)

Gene: ZNF469 (zinc finger protein 469; plus strand). Cytogenetic location: 16q24.2.
Variant type: single nucleotide variant.
Coding change: c.2621C>A on transcript NM_001367624.2 (MANE Select); coding-DNA position 2621, C replaced by A.
Protein change: p.Ser874Tyr; replaces serine 874 with tyrosine.
Molecular consequence: missense variant.
Genome position (GRCh38, 1-based): chr16:88,430,091, C>A. VCF-style: chr16-88430091-C-A. GRCh37 (hg19) VCF-style: chr16-88496499-C-A.
Other names: NM_001127464.1:c.2621C>A; short protein forms S874Y.
Identifiers: ClinVar variation 3821121 (VCV003821121.1).